The following is an entry in ClinVar:

ClinVar aggregate classification (germline): Uncertain significance (1 of 4 stars; one submission).

Allele frequency attached by ClinVar (database versions not stated): gnomAD exomes below 0.00001.
gnomAD v4.1: 1 of 1,614,036 alleles (0.000062%); highest among the groups gnomAD compares: Admixed American, 0.0017%; no homozygotes.

Submission:

Labcorp Genetics (formerly Invitae), Labcorp
Classification: Uncertain significance. Last evaluated: 2023-09-22. Review status: criteria provided, single submitter. Criteria: Invitae Variant Classification Sherloc (09022015). Collection method: clinical testing. Allele origin: germline.
Comment: In summary, the available evidence is currently insufficient to determine the role of this variant in disease. Therefore, it has been classified as a Variant of Uncertain Significance. An algorithm developed to predict the effect of missense changes on protein structure and function (PolyPhen-2) suggests that this variant is likely to be tolerated. This sequence change replaces glycine, which is neutral and non-polar, with alanine, which is neutral and non-polar, at codon 2325 of the VCAN protein (p.Gly2325Ala). This variant is not present in population databases (gnomAD no frequency). This variant has not been reported in the literature in individuals affected with VCAN-related conditions. ClinVar contains an entry for this variant (Variation ID: 2086013).

NM_004385.5(VCAN):c.6974G>C (p.Gly2325Ala)

Genes: VCAN (versican; plus strand), VCAN-AS1 (VCAN antisense RNA 1; minus strand). Cytogenetic location: 5q14.3.
Variant type: single nucleotide variant.
Coding change: c.6974G>C on transcript NM_004385.5 (MANE Select); coding-DNA position 6974, G replaced by C.
Protein change: p.Gly2325Ala; replaces glycine 2325 with alanine.
Molecular consequence: missense variant. On other transcripts: intron variant (2).
Genome position (GRCh38, 1-based): chr5:83,539,977, G>C. VCF-style: chr5-83539977-G-C. GRCh37 (hg19) VCF-style: chr5-82835796-G-C.
Other names: c.4013G>C, p.Gly1338Ala (NM_001164097.2); c.4004-5560G>C (NM_001164098.2); c.1043-5560G>C (NM_001126336.3); short protein forms G1338A, G2325A.
Identifiers: ClinVar variation 2086013 (VCV002086013.4), dbSNP rs2479116060, ClinGen allele CA360313747.
Genomic context (GRCh38, chr5:83,539,977, plus strand): 5'-AAAATGTGGCAAAAGAAGTTGGACCACTCGTATCTCAAACAGACATCTTTGAAGGTAGTG[G>C]GTCAGTAACCAGCACAACATTAATAGAAATTTTAAGTGACACTGGAGCAGAAGGACCCAC-3'
Protein context (NP_004376.2, residues 2315-2335): VSQTDIFEGS[Gly2325Ala]SVTSTTLIEI